The following is an entry in ClinVar:

ClinVar aggregate classification (germline): Likely benign (1 of 4 stars; one submission).

gnomAD v4.1: 5 of 1,613,960 alleles (0.00031%); highest among the groups gnomAD compares: Non-Finnish European, 0.00042%; no homozygotes.

Submission:

CeGaT Center for Human Genetics Tuebingen
Classification: Likely benign. Last evaluated: 2026-03-01. Review status: criteria provided, single submitter. Criteria: CeGaT Center For Human Genetics Tuebingen Variant Classification Criteria Version 2. Collection method: clinical testing. Allele origin: germline. Affected: yes. Observed: 1 variant allele.
Comment: CAMTA1: BP4

NM_015215.4(CAMTA1):c.2928G>A (p.Arg976=)

Gene: CAMTA1 (calmodulin binding transcription activator 1; plus strand). Cytogenetic location: 1p36.23.
Variant type: single nucleotide variant.
Coding change: c.2928G>A on transcript NM_015215.4 (MANE Select); coding-DNA position 2928, G replaced by A.
Protein change: p.Arg976=; no amino-acid change (arginine 976 retained).
Molecular consequence: synonymous variant. On other transcripts: 5 prime UTR variant (13).
Genome position (GRCh38, 1-based): chr1:7,732,461, G>A. VCF-style: chr1-7732461-G-A. GRCh37 (hg19) VCF-style: chr1-7792521-G-A.
Other names: c.2838G>A, p.Arg946= (NM_001349608.2, NM_001349612.2); c.2928G>A, p.Arg976= (NM_001349609.2, NM_001349610.2, NM_001410737.1); c.57G>A, p.Arg19= (NM_001349613.1); c.-1G>A (NM_001349614.1, NM_001349615.2, NM_001349616.2 and 10 more transcripts); c.2856G>A, p.Arg952= (NM_001410738.1).
Identifiers: ClinVar variation 4823709 (VCV004823709.4).